The following is an entry in ClinVar:

ClinVar aggregate classification (germline): Uncertain significance (1 of 4 stars; one submission).

gnomAD v4.1: 1 of 1,610,228 alleles (0.000062%); highest among the groups gnomAD compares: African/African-American, 0.0013%; no homozygotes.

Submission:

Ambry Genetics
Classification: Uncertain significance. Last evaluated: 2025-03-09. Review status: criteria provided, single submitter. Criteria: Ambry Variant Classification Scheme 2023. Collection method: clinical testing. Allele origin: germline.
Comment: The p.D643V variant (also known as c.1928A>T), located in coding exon 2 of the CDK12 gene, results from an A to T substitution at nucleotide position 1928. The aspartic acid at codon 643 is replaced by valine, an amino acid with highly dissimilar properties. This amino acid position is conserved. In addition, the in silico prediction for this alteration is inconclusive. Based on the available evidence, the clinical significance of this variant remains unclear.

NM_016507.4(CDK12):c.1928A>T (p.Asp643Val)

Gene: CDK12 (cyclin dependent kinase 12; plus strand). Cytogenetic location: 17q12.
Variant type: single nucleotide variant.
Coding change: c.1928A>T on transcript NM_016507.4 (MANE Select); coding-DNA position 1928, A replaced by T.
Protein change: p.Asp643Val; replaces aspartic acid 643 with valine.
Molecular consequence: missense variant.
Genome position (GRCh38, 1-based): chr17:39,471,760, A>T. VCF-style: chr17-39471760-A-T. GRCh37 (hg19) VCF-style: chr17-37628013-A-T.
Other names: c.1928A>T, p.Asp643Val (NM_015083.4); short protein forms D643V.
Identifiers: ClinVar variation 3830780 (VCV003830780.1).